The following is an entry in ClinVar:

NM_000642.3(AGL):c.1900-2A>G

Gene: AGL (amylo-alpha-1,6-glucosidase and 4-alpha-glucanotransferase; plus strand). Cytogenetic location: 1p21.2.
Variant type: single nucleotide variant.
Coding change: c.1900-2A>G on transcript NM_000642.3 (MANE Select); the canonical splice acceptor site of the intron before coding-DNA position 1900, A replaced by G.
Molecular consequence: splice acceptor variant.
Genome position (GRCh38, 1-based): chr1:99,881,074, A>G. VCF-style: chr1-99881074-A-G. GRCh37 (hg19) VCF-style: chr1-100346630-A-G.
Other names: c.1900-2A>G (NM_000643.3, NM_000644.3, NM_001425326.1 and 2 more transcripts); c.1852-2A>G (NM_000646.3); c.1699-2A>G (NM_001425327.1); c.1696-2A>G (NM_001425328.1, NM_001425329.1); c.1522-2A>G (NM_001425332.1).
Identifiers: ClinVar variation 938502 (VCV000938502.10), dbSNP rs1254391875, ClinGen allele CA341317806.
Genomic context (GRCh38, chr1:99,881,074, plus strand): 5'-ATAGAATAGCACTTTGCATTTGAAAGAAAGCAAACTTTTGCTTTGTTGTTGTTGTCTTCT[A>G]GCATAGATCAGCGTATGATGCTCTTCCAAGTACTACAATTGTTTCTATGGCATGTTGTGC-3'

ClinVar aggregate classification (germline): Pathogenic (1 of 4 stars; one submission).

Conditions:
Glycogen storage disease type III (GSD3). Also called: Cori disease; FORBES DISEASE. Identifiers: Orphanet 366, MedGen C0017922, MONDO:0009291, OMIM 232400.

Allele frequency attached by ClinVar (database versions not stated): gnomAD exomes below 0.00001; gnomAD 0.00001.
gnomAD v4.1: 1 of 1,612,560 alleles (0.000062%); highest among the groups gnomAD compares: African/African-American, 0.0013%; no homozygotes.

Submission:

Labcorp Genetics (formerly Invitae), Labcorp
Classification: Pathogenic for Glycogen storage disease type III. Last evaluated: 2019-10-02. Review status: criteria provided, single submitter. Criteria: Invitae Variant Classification Sherloc (09022015). Collection method: clinical testing. Allele origin: germline.
Comment: This variant is not present in population databases (ExAC no frequency). This sequence change affects an acceptor splice site in intron 14 of the AGL gene. It is expected to disrupt RNA splicing and likely results in an absent or disrupted protein product. This variant has been observed in individual(s) with glycogen storage disease type III (Invitae). In at least one individual the data is consistent with the variant being in trans (on the opposite chromosome) from a pathogenic variant. Algorithms developed to predict the effect of sequence changes on RNA splicing suggest that this variant may disrupt the consensus splice site, but this prediction has not been confirmed by published transcriptional studies. Donor and acceptor splice site variants typically lead to a loss of protein function (PMID: 16199547), and loss-of-function variants in AGL are known to be pathogenic (PMID: 19299494). For these reasons, this variant has been classified as Pathogenic.

Literature cited by the submitters: PubMed 16199547; PubMed 19299494.